The following is an entry in ClinVar:

ClinVar aggregate classification (germline): Pathogenic. Review status: criteria provided, single submitter (1 of 4 stars). 2 submissions from 2 submitters: Pathogenic (1). 1 of the submissions does not count toward it. Last evaluated 2024-05-12.

Conditions:
PAX2-Related Disorder. Also called: PAX2-related disorders. Identifiers: MedGen CN381309.
Renal coloboma syndrome (PAPRS). Also called: PAPILLORENAL SYNDROME; COLOBOMA OF OPTIC NERVE WITH RENAL DISEASE; OPTIC COLOBOMA, VESICOURETERAL REFLUX, AND RENAL ANOMALIES; OPTIC NERVE COLOBOMA WITH RENAL DISEASE; RENAL-COLOBOMA SYNDROME WITH MACULAR ABNORMALITIES; PAPILLORENAL SYNDROME WITH MILD OCULAR ABNORMALITIES. Identifiers: Orphanet 1475, MedGen C1852759, MONDO:0007352, OMIM 120330.
Focal segmental glomerulosclerosis 7 (FSGS7). Identifiers: Orphanet 656, MedGen C4014925, MONDO:0014451, OMIM 616002.

Submissions (2):

Labcorp Genetics (formerly Invitae), Labcorp
Classification: Pathogenic for Renal coloboma syndrome; Focal segmental glomerulosclerosis 7. Last evaluated: 2024-05-12. Review status: criteria provided, single submitter. Criteria: Invitae Variant Classification Sherloc (09022015). Collection method: clinical testing. Allele origin: germline.
Comment: This sequence change creates a premature translational stop signal (p.Glu267*) in the PAX2 gene. It is expected to result in an absent or disrupted protein product. Loss-of-function variants in PAX2 are known to be pathogenic (PMID: 11461952, 24676634, 35444690). This variant is not present in population databases (gnomAD no frequency). This variant has not been reported in the literature in individuals affected with PAX2-related conditions. Algorithms developed to predict the effect of sequence changes on RNA splicing suggest that this variant may disrupt the consensus splice site. For these reasons, this variant has been classified as Pathogenic.

PreventionGenetics, part of Exact Sciences
Classification: Pathogenic for PAX2-related condition. Last evaluated: 2024-02-08. Review status: no assertion criteria provided. Collection method: clinical testing. Allele origin: germline. Not counted in ClinVar's aggregate classification.
Comment: The PAX2 c.868G>T variant is predicted to result in premature protein termination (p.Glu290*). To our knowledge, this variant has not been reported in the literature or in a large population database, indicating this variant is rare. Nonsense variants in PAX2 are expected to be pathogenic. This variant is interpreted as pathogenic.

Literature cited by the submitters: PubMed 11461952 (cited by Labcorp Genetics (formerly Invitae), Labcorp); PubMed 24676634 (cited by Labcorp Genetics (formerly Invitae), Labcorp); PubMed 35444690 (cited by Labcorp Genetics (formerly Invitae), Labcorp).

NM_000278.5(PAX2):c.799G>T (p.Glu267Ter)

Gene: PAX2 (paired box 2; plus strand). Cytogenetic location: 10q24.31.
Variant type: single nucleotide variant.
Coding change: c.799G>T on transcript NM_000278.5 (MANE Select); coding-DNA position 799, G replaced by T.
Protein change: p.Glu267Ter; replaces glutamic acid 267 with a stop codon.
Molecular consequence: nonsense.
Genome position (GRCh38, 1-based): chr10:100,809,116, G>T. VCF-style: chr10-100809116-G-T. GRCh37 (hg19) VCF-style: chr10-102568873-G-T.
Other names: c.892G>T, p.Glu298Ter (NM_001304569.2); c.868G>T, p.Glu290Ter (NM_003987.5, NM_003990.5); c.799G>T, p.Glu267Ter (NM_003988.5, NM_003989.5); short protein forms E267*, E290*, E298*.
Identifiers: ClinVar variation 3348227 (VCV003348227.3).